The following is an entry in ClinVar:

NM_000179.3(MSH6):c.3547A>T (p.Ile1183Leu)

Gene: MSH6 (mutS homolog 6; plus strand). Cytogenetic location: 2p16.3.
Variant type: single nucleotide variant.
Coding change: c.3547A>T on transcript NM_000179.3 (MANE Select); coding-DNA position 3547, A replaced by T.
Protein change: p.Ile1183Leu; replaces isoleucine 1183 with leucine.
Molecular consequence: missense variant. On other transcripts: non-coding transcript variant (4).
Genome position (GRCh38, 1-based): chr2:47,805,018, A>T. VCF-style: chr2-47805018-A-T. GRCh37 (hg19) VCF-style: chr2-48032157-A-T.
Other names: c.3157A>T, p.Ile1053Leu (NM_001281492.2); c.2641A>T, p.Ile881Leu (NM_001281493.2, NM_001281494.2, NM_001406811.1 and 6 more transcripts); c.3643A>T, p.Ile1215Leu (NM_001406795.1, NM_001406802.1); c.3547A>T, p.Ile1183Leu (NM_001406796.1, NM_001406800.1, NM_001406808.1 and 1 more transcripts); c.3250A>T, p.Ile1084Leu (NM_001406797.1, NM_001406801.1, NM_001406805.1 and 10 more transcripts); c.3373A>T, p.Ile1125Leu (NM_001406798.1); c.3022A>T, p.Ile1008Leu (NM_001406799.1, NM_001406806.1, NM_001406807.1); c.2683A>T, p.Ile895Leu (NM_001406803.1); and 7 more; short protein forms I1008L, I1053L, I1084L, I110L, I1125L, I1127L, I1157L, I1183L.
Identifiers: ClinVar variation 3230554 (VCV003230554.1), dbSNP rs2530806878, ClinGen allele CA346760260.

ClinVar aggregate classification (germline): Uncertain significance (1 of 4 stars; one submission).

Conditions:
Hereditary cancer-predisposing syndrome. Also called: Neoplastic Syndromes, Hereditary; Tumor predisposition; Hereditary neoplastic syndrome; Hereditary Cancer Syndrome. Identifiers: Orphanet 140162, MedGen C0027672, MeSH D009386, MONDO:0015356.

Submission:

Ambry Genetics
Classification: Uncertain significance for Hereditary cancer-predisposing syndrome. Last evaluated: 2022-11-10. Review status: criteria provided, single submitter. Criteria: Ambry Variant Classification Scheme 2023. Collection method: clinical testing. Allele origin: germline.
Comment: The p.I1183L variant (also known as c.3547A>T), located in coding exon 6 of the MSH6 gene, results from an A to T substitution at nucleotide position 3547. The isoleucine at codon 1183 is replaced by leucine, an amino acid with highly similar properties. This amino acid position is conserved. In addition, this alteration is predicted to be deleterious by in silico analysis. Since supporting evidence is limited at this time, the clinical significance of this alteration remains unclear.